The following is an entry in ClinVar:

GRCh38/hg38 12q14.2(chr12:63553952-63722729)x3

Genes: DPY19L2 (dpy-19 like 2; minus strand), LOC130008194 (ATAC-STARR-seq lymphoblastoid active region 6585; plus strand). Cytogenetic location: 12q14.2.
Variant type: copy number gain.
Change: copy number 3 (three copies instead of two) of chr12:63,553,952-63,722,729 (168.8 kb, GRCh38 coordinates, 1-based), cytogenetic band 12q14.2.
Identifiers: ClinVar variation 145010 (VCV000145010.1).

ClinVar aggregate classification (germline): Benign/Likely benign (0 of 4 stars; one submission).

Submission:

GeneDx
Classification: Benign/Likely benign. Last evaluated: 2011-04-30. Review status: no assertion criteria provided. Collection method: clinical testing. Allele origin: not provided. Affected: yes. Observed: 16 variant alleles. Clinical features observed: Developmental delay AND/OR other significant developmental or morphological phenotypes.
Comment: Likely benign (2), Benign (14)